The following is an entry in ClinVar:

NM_001385641.1(SAMD11):c.736C>T (p.Arg246Trp)

Gene: SAMD11 (sterile alpha motif domain containing 11; plus strand). Cytogenetic location: 1p36.33.
Variant type: single nucleotide variant.
Coding change: c.736C>T on transcript NM_001385641.1 (MANE Select); coding-DNA position 736, C replaced by T.
Protein change: p.Arg246Trp; replaces arginine 246 with tryptophan.
Molecular consequence: missense variant.
Genome position (GRCh38, 1-based): chr1:930,281, C>T. VCF-style: chr1-930281-C-T. GRCh37 (hg19) VCF-style: chr1-865661-C-T.
Other names: c.736C>T, p.Arg246Trp (NM_001385640.1); c.199C>T, p.Arg67Trp (NM_152486.4); short protein forms R67W, R246W.
Identifiers: ClinVar variation 1476127 (VCV001476127.9), dbSNP rs1641108930, ClinGen allele CA337792132.

ClinVar aggregate classification (germline): Uncertain significance. Review status: criteria provided, multiple submitters, no conflicts (2 of 4 stars). 2 submissions from 2 submitters: Uncertain significance (2). Last evaluated 2025-03-17.

Allele frequency attached by ClinVar (database versions not stated): gnomAD exomes below 0.00001; TOPMed 0.00001.
gnomAD v4.1: 5 of 1,608,550 alleles (0.00031%); highest among the groups gnomAD compares: Non-Finnish European, 0.00042%; no homozygotes.

Submissions (2):

Labcorp Genetics (formerly Invitae), Labcorp
Classification: Uncertain significance. Last evaluated: 2025-03-17. Review status: criteria provided, single submitter. Criteria: Invitae Variant Classification Sherloc (09022015). Collection method: clinical testing. Allele origin: germline.
Comment: This sequence change replaces arginine, which is basic and polar, with tryptophan, which is neutral and slightly polar, at codon 67 of the SAMD11 protein (p.Arg67Trp). This variant is not present in population databases (gnomAD no frequency). This variant has not been reported in the literature in individuals affected with SAMD11-related conditions. ClinVar contains an entry for this variant (Variation ID: 1476127). An algorithm developed to predict the effect of missense changes on protein structure and function outputs the following: PolyPhen-2: "Benign". The tryptophan amino acid residue is found in multiple mammalian species, which suggests that this missense change does not adversely affect protein function. In summary, the available evidence is currently insufficient to determine the role of this variant in disease. Therefore, it has been classified as a Variant of Uncertain Significance.

Blueprint Genetics
Classification: Uncertain significance. Last evaluated: 2019-01-21. Review status: criteria provided, single submitter. Criteria: ACMG Guidelines, 2015. Collection method: clinical testing. Allele origin: germline.